The following is an entry in ClinVar:

NM_182914.3(SYNE2):c.9189G>C (p.Lys3063Asn)

Gene: SYNE2 (spectrin repeat containing nuclear envelope protein 2; plus strand). Cytogenetic location: 14q23.2.
Variant type: single nucleotide variant.
Coding change: c.9189G>C on transcript NM_182914.3 (MANE Select); coding-DNA position 9189, G replaced by C.
Protein change: p.Lys3063Asn; replaces lysine 3063 with asparagine.
Molecular consequence: missense variant.
Genome position (GRCh38, 1-based): chr14:64,053,102, G>C. VCF-style: chr14-64053102-G-C. GRCh37 (hg19) VCF-style: chr14-64519820-G-C.
Other names: c.9189G>C, p.Lys3063Asn (NM_015180.6); c.9189G>C (NM_182914.2); short protein forms K3063N.
Identifiers: ClinVar variation 2150278 (VCV002150278.8), dbSNP rs368489729, ClinGen allele CA7221230.

ClinVar aggregate classification (germline): Uncertain significance. Review status: criteria provided, multiple submitters, no conflicts (2 of 4 stars). 3 submissions from 3 submitters: Uncertain significance (3). Last evaluated 2025-08-10.

Conditions:
Emery-Dreifuss muscular dystrophy 5, autosomal dominant (EDMD5). Also called: EMERY-DREIFUSS MUSCULAR DYSTROPHY 5. Identifiers: Orphanet 261, MedGen C2751805, MONDO:0013072, OMIM 612999.

Allele frequency attached by ClinVar (database versions not stated): ExAC 0.00002; gnomAD 0.00006; TOPMed 0.00007; 1000 Genomes Project 30x 0.00016; 1000 Genomes Project 0.00020; ESP Exome Variant Server 0.00025.
gnomAD v4.1: 15 of 1,614,006 alleles (0.00093%); highest among the groups gnomAD compares: African/African-American, 0.02%; no homozygotes.

Submissions (3):

Ambry Genetics
Classification: Uncertain significance. Last evaluated: 2025-08-10. Review status: criteria provided, single submitter. Criteria: Ambry Variant Classification Scheme 2023. Collection method: clinical testing. Allele origin: germline.

Labcorp Genetics (formerly Invitae), Labcorp
Classification: Uncertain significance for Emery-Dreifuss muscular dystrophy 5, autosomal dominant. Last evaluated: 2024-10-29. Review status: criteria provided, single submitter. Criteria: Invitae Variant Classification Sherloc (09022015). Collection method: clinical testing. Allele origin: germline.
Comment: This sequence change replaces lysine, which is basic and polar, with asparagine, which is neutral and polar, at codon 3063 of the SYNE2 protein (p.Lys3063Asn). This variant is present in population databases (rs368489729, gnomAD 0.02%). This variant has not been reported in the literature in individuals affected with SYNE2-related conditions. ClinVar contains an entry for this variant (Variation ID: 2150278). An algorithm developed to predict the effect of missense changes on protein structure and function (PolyPhen-2) suggests that this variant is likely to be disruptive. In summary, the available evidence is currently insufficient to determine the role of this variant in disease. Therefore, it has been classified as a Variant of Uncertain Significance.

Revvity Omics, Revvity
Classification: Uncertain significance for Emery-Dreifuss muscular dystrophy 5, autosomal dominant. Last evaluated: 2020-01-23. Review status: criteria provided, single submitter. Criteria: ACMG Guidelines, 2015. Collection method: clinical testing. Allele origin: germline.